The following is an entry in ClinVar:

NM_001040142.2(SCN2A):c.2150-10T>G

Gene: SCN2A (sodium voltage-gated channel alpha subunit 2; plus strand). Cytogenetic location: 2q24.3.
Variant type: single nucleotide variant.
Coding change: c.2150-10T>G on transcript NM_001040142.2 (MANE Select); 10 bases into the intron before coding-DNA position 2150, T replaced by G.
Molecular consequence: intron variant.
Genome position (GRCh38, 1-based): chr2:165,331,320, T>G. VCF-style: chr2-165331320-T-G. GRCh37 (hg19) VCF-style: chr2-166187830-T-G.
Other names: c.2150-10T>G (NM_001040143.2, NM_001371246.1, NM_001371247.1 and 1 more transcripts).
Identifiers: ClinVar variation 389226 (VCV000389226.4), dbSNP rs1057523367, ClinGen allele CA16603909.

ClinVar aggregate classification (germline): Likely benign. Review status: criteria provided, multiple submitters, no conflicts (2 of 4 stars). 2 submissions from 2 submitters: Likely benign (2). Last evaluated 2024-06-03.

Conditions:
Seizures, benign familial infantile, 3 (BFIS3). Also called: Familial neonatal seizures; CONVULSIONS, BENIGN FAMILIAL INFANTILE, 3. Identifiers: Orphanet 140927, Orphanet 306, MedGen C1843140, MONDO:0011904, OMIM 607745.
Developmental and epileptic encephalopathy, 11 (DEE11). Also called: Early infantile epileptic encephalopathy 11. Identifiers: Orphanet 1934, MedGen C3150987, MONDO:0013388, OMIM 613721.

Submissions (2):

Labcorp Genetics (formerly Invitae), Labcorp
Classification: Likely benign for Seizures, benign familial infantile, 3; Developmental and epileptic encephalopathy, 11. Last evaluated: 2024-06-03. Review status: criteria provided, single submitter. Criteria: Invitae Variant Classification Sherloc (09022015). Collection method: clinical testing. Allele origin: germline.

GeneDx
Classification: Likely benign. Last evaluated: 2016-09-22. Review status: criteria provided, single submitter. Criteria: GeneDx Variant Classification (06012015). Collection method: clinical testing. Allele origin: germline. Affected: yes.
Comment: This variant is considered likely benign or benign based on one or more of the following criteria: it is a conservative change, it occurs at a poorly conserved position in the protein, it is predicted to be benign by multiple in silico algorithms, and/or has population frequency not consistent with disease.